The following is an entry in ClinVar:

ClinVar aggregate classification (germline): Uncertain significance (1 of 4 stars; one submission).

Conditions:
Cowden syndrome 6 (CWS6). Identifiers: Orphanet 201, MedGen C3554519, MONDO:0014048, OMIM 615109.

Allele frequency attached by ClinVar (database versions not stated): TOPMed below 0.00001; ExAC 0.00001; gnomAD 0.00001; gnomAD exomes 0.00001.
gnomAD v4.1: 7 of 1,605,858 alleles (0.00044%); highest among the groups gnomAD compares: East Asian, 0.0045%; no homozygotes.

Submission:

Labcorp Genetics (formerly Invitae), Labcorp
Classification: Uncertain significance for Cowden syndrome 6. Last evaluated: 2022-04-19. Review status: criteria provided, single submitter. Criteria: Invitae Variant Classification Sherloc (09022015). Collection method: clinical testing. Allele origin: germline.
Comment: This variant has not been reported in the literature in individuals affected with AKT1-related conditions. In summary, the available evidence is currently insufficient to determine the role of this variant in disease. Therefore, it has been classified as a Variant of Uncertain Significance. Variants that disrupt the consensus splice site are a relatively common cause of aberrant splicing (PMID: 17576681, 9536098). Algorithms developed to predict the effect of sequence changes on RNA splicing suggest that this variant may create or strengthen a splice site. ClinVar contains an entry for this variant (Variation ID: 957614). This variant is present in population databases (rs751392710, gnomAD 0.01%). This sequence change falls in intron 11 of the AKT1 gene. It does not directly change the encoded amino acid sequence of the AKT1 protein. It affects a nucleotide within the consensus splice site.

Literature cited by the submitters: PubMed 17576681; PubMed 9536098.

NM_001382430.1(AKT1):c.1172+5G>A

Gene: AKT1 (AKT serine/threonine kinase 1; minus strand). Cytogenetic location: 14q32.33.
Variant type: single nucleotide variant.
Coding change: c.1172+5G>A on transcript NM_001382430.1 (MANE Select); 5 bases into the intron after coding-DNA position 1172, G replaced by A.
Molecular consequence: intron variant.
Genome position (GRCh38, 1-based): chr14:104,772,873, C>T on the plus strand (G>A on the coding strand, the complement: AKT1 is on the minus strand). VCF-style: chr14-104772873-C-T. GRCh37 (hg19) VCF-style: chr14-105239210-C-T.
Other names: c.1172+5G>A (NM_001014431.2, NM_001014432.2, NM_001382433.1 and 3 more transcripts).
Identifiers: ClinVar variation 957614 (VCV000957614.7), dbSNP rs751392710, ClinGen allele CA7374555.